The following is an entry in ClinVar:

NM_006648.4(WNK2):c.5254A>T (p.Ser1752Cys)

Gene: WNK2 (WNK lysine deficient protein kinase 2; plus strand). Cytogenetic location: 9q22.31.
Variant type: single nucleotide variant.
Coding change: c.5254A>T on transcript NM_006648.4 (MANE Select); coding-DNA position 5254, A replaced by T.
Protein change: p.Ser1752Cys; replaces serine 1752 with cysteine.
Molecular consequence: missense variant.
Genome position (GRCh38, 1-based): chr9:93,292,719, A>T. VCF-style: chr9-93292719-A-T. GRCh37 (hg19) VCF-style: chr9-96055001-A-T.
Other names: c.5365A>T, p.Ser1789Cys (NM_001282394.3); short protein forms S1789C, S1752C.
Identifiers: ClinVar variation 4605300 (VCV004605300.1).

ClinVar aggregate classification (germline): Uncertain significance (1 of 4 stars; one submission).

Submission:

Ambry Genetics
Classification: Uncertain significance. Last evaluated: 2025-10-25. Review status: criteria provided, single submitter. Criteria: Ambry Variant Classification Scheme 2023. Collection method: clinical testing. Allele origin: germline.
Comment: The p.S1752C variant (also known as c.5254A>T), located in coding exon 22 of the WNK2 gene, results from an A to T substitution at nucleotide position 5254. The serine at codon 1752 is replaced by cysteine, an amino acid with dissimilar properties. This amino acid position is conserved. In addition, the in silico prediction for this alteration is inconclusive. Based on the available evidence, the clinical significance of this variant remains unclear.